The following is an entry in ClinVar:

NM_001261826.3(AP3D1):c.2731G>A (p.Ala911Thr)

Gene: AP3D1 (adaptor related protein complex 3 subunit delta 1; minus strand). Cytogenetic location: 19p13.3.
Variant type: single nucleotide variant.
Coding change: c.2731G>A on transcript NM_001261826.3 (MANE Select); coding-DNA position 2731, G replaced by A.
Protein change: p.Ala911Thr; replaces alanine 911 with threonine.
Molecular consequence: missense variant. On other transcripts: intron variant (1).
Genome position (GRCh38, 1-based): chr19:2,112,916, C>T on the plus strand (G>A on the coding strand, the complement: AP3D1 is on the minus strand). VCF-style: chr19-2112916-C-T. GRCh37 (hg19) VCF-style: chr19-2112915-C-T.
Other names: c.2695G>A, p.Ala899Thr (NM_001374799.1); c.2602-1088G>A (NM_003938.8); short protein forms A899T, A911T.
Identifiers: ClinVar variation 2887592 (VCV002887592.3), dbSNP rs1432392904, ClinGen allele CA403206103.

ClinVar aggregate classification (germline): Uncertain significance (1 of 4 stars; one submission).

Allele frequency attached by ClinVar (database versions not stated): gnomAD exomes below 0.00001; TOPMed below 0.00001; gnomAD 0.00001.

Submission:

Labcorp Genetics (formerly Invitae), Labcorp
Classification: Uncertain significance. Last evaluated: 2023-02-22. Review status: criteria provided, single submitter. Criteria: Invitae Variant Classification Sherloc (09022015). Collection method: clinical testing. Allele origin: germline.
Comment: In summary, the available evidence is currently insufficient to determine the role of this variant in disease. Therefore, it has been classified as a Variant of Uncertain Significance. Algorithms developed to predict the effect of missense changes on protein structure and function output the following: SIFT: "Not Available"; PolyPhen-2: "Benign"; Align-GVGD: "Not Available". The threonine amino acid residue is found in multiple mammalian species, which suggests that this missense change does not adversely affect protein function. This variant has not been reported in the literature in individuals affected with AP3D1-related conditions. The frequency data for this variant in the population databases is considered unreliable, as metrics indicate poor data quality at this position in the gnomAD database. This sequence change replaces alanine, which is neutral and non-polar, with threonine, which is neutral and polar, at codon 911 of the AP3D1 protein (p.Ala911Thr).